The following is an entry in ClinVar:

NM_031892.3(SH3KBP1):c.1846G>A (p.Val616Ile)

Gene: SH3KBP1 (SH3 domain containing kinase binding protein 1; minus strand). Cytogenetic location: Xp22.12.
Variant type: single nucleotide variant.
Coding change: c.1846G>A on transcript NM_031892.3 (MANE Select); coding-DNA position 1846, G replaced by A.
Protein change: p.Val616Ile; replaces valine 616 with isoleucine.
Molecular consequence: missense variant.
Genome position (GRCh38, 1-based): chrX:19,541,971, C>T on the plus strand (G>A on the coding strand, the complement: SH3KBP1 is on the minus strand). VCF-style: chrX-19541971-C-T. GRCh37 (hg19) VCF-style: chrX-19560089-C-T.
Other names: c.1735G>A, p.Val579Ile (NM_001024666.3); c.1132G>A, p.Val378Ile (NM_001184960.2); c.1717G>A, p.Val573Ile (NM_001353890.2); c.1921G>A, p.Val641Ile (NM_001353891.2); c.1792G>A, p.Val598Ile (NM_001353892.2); c.1744G>A, p.Val582Ile (NM_001353893.2); c.1615G>A, p.Val539Ile (NM_001353894.2); c.1672G>A, p.Val558Ile (NM_001353895.2); and 4 more; short protein forms V539I, V573I, V579I, V582I, V514I, V616I, V617I, V660I.
Identifiers: ClinVar variation 3639355 (VCV003639355.2).

ClinVar aggregate classification (germline): Uncertain significance (1 of 4 stars; one submission).

gnomAD v4.1: 3 of 1,211,790 alleles (0.00025%); highest among the groups gnomAD compares: Admixed American, 0.0022%; no homozygotes.

Submission:

Labcorp Genetics (formerly Invitae), Labcorp
Classification: Uncertain significance. Last evaluated: 2024-02-20. Review status: criteria provided, single submitter. Criteria: Invitae Variant Classification Sherloc (09022015). Collection method: clinical testing. Allele origin: germline.
Comment: This sequence change replaces valine, which is neutral and non-polar, with isoleucine, which is neutral and non-polar, at codon 616 of the SH3KBP1 protein (p.Val616Ile). This variant is present in population databases (no rsID available, gnomAD 0.004%). This variant has not been reported in the literature in individuals affected with SH3KBP1-related conditions. Advanced modeling of protein sequence and biophysical properties (such as structural, functional, and spatial information, amino acid conservation, physicochemical variation, residue mobility, and thermodynamic stability) performed at Invitae indicates that this missense variant is not expected to disrupt SH3KBP1 protein function with a negative predictive value of 80%. In summary, the available evidence is currently insufficient to determine the role of this variant in disease. Therefore, it has been classified as a Variant of Uncertain Significance.